The following is an entry in ClinVar:

ClinVar aggregate classification (germline): Pathogenic/Likely pathogenic. Review status: criteria provided, multiple submitters, no conflicts (2 of 4 stars). 2 submissions from 2 submitters: Pathogenic (1); Likely pathogenic (1). Last evaluated 2023-08-27.

Conditions:
Cerebral cavernous malformation (CCM). Also called: Cavernous Hemangioma of Brain; Cerebral cavernous hemangioma (type); Cerebral cavernous malformations; CAVERNOUS ANGIOMA, FAMILIAL; CAVERNOUS ANGIOMATOUS MALFORMATIONS; CEREBRAL CAPILLARY MALFORMATIONS. Identifiers: Orphanet 221061, MedGen C2919945, MONDO:0000820, OMIM 116860, HP:0033522.

Submissions (2):

Labcorp Genetics (formerly Invitae), Labcorp
Classification: Pathogenic for Cerebral cavernous malformation. Last evaluated: 2023-08-27. Review status: criteria provided, single submitter. Criteria: Invitae Variant Classification Sherloc (09022015). Collection method: clinical testing. Allele origin: germline.
Comment: For these reasons, this variant has been classified as Pathogenic. This sequence change creates a premature translational stop signal (p.Gln372*) in the KRIT1 gene. It is expected to result in an absent or disrupted protein product. Loss-of-function variants in KRIT1 are known to be pathogenic (PMID: 10508515, 11222804, 12404106, 24689081). This variant is not present in population databases (gnomAD no frequency). This premature translational stop signal has been observed in individual(s) with clinical features of cerebral cavernous malformations (PMID: 24466005). ClinVar contains an entry for this variant (Variation ID: 590689).

PreventionGenetics, part of Exact Sciences
Classification: Likely pathogenic. Last evaluated: 2013-10-09. Review status: criteria provided, single submitter. Criteria: ACMG Guidelines, 2015. Collection method: clinical testing. Allele origin: germline.

Literature cited by the submitters: PubMed 10508515 (cited by Labcorp Genetics (formerly Invitae), Labcorp); PubMed 11222804 (cited by Labcorp Genetics (formerly Invitae), Labcorp); PubMed 12404106 (cited by Labcorp Genetics (formerly Invitae), Labcorp); PubMed 24689081 (cited by Labcorp Genetics (formerly Invitae), Labcorp); PubMed 24466005 (cited by Labcorp Genetics (formerly Invitae), Labcorp).

NM_194454.3(KRIT1):c.1114C>T (p.Gln372Ter)

Gene: KRIT1 (KRIT1 ankyrin repeat containing; minus strand). Cytogenetic location: 7q21.2.
Variant type: single nucleotide variant.
Coding change: c.1114C>T on transcript NM_194454.3 (MANE Select); coding-DNA position 1114, C replaced by T.
Protein change: p.Gln372Ter; replaces glutamine 372 with a stop codon.
Molecular consequence: nonsense.
Genome position (GRCh38, 1-based): chr7:92,226,558, G>A on the plus strand (C>T on the coding strand, the complement: KRIT1 is on the minus strand). VCF-style: chr7-92226558-G-A. GRCh37 (hg19) VCF-style: chr7-91855872-G-A.
Other names: c.970C>T, p.Gln324Ter (NM_001013406.2, NM_001350669.1, NM_001350670.1); c.400C>T, p.Gln134Ter (NM_001350671.1); c.1114C>T, p.Gln372Ter (NM_001350672.1, NM_001350673.1, NM_001350674.1 and 26 more transcripts); short protein forms Q372*, Q324*, Q134*.
Identifiers: ClinVar variation 590689 (VCV000590689.5), dbSNP rs780114710, ClinGen allele CA368152502.